The following is an entry in ClinVar:

NM_000372.5(TYR):c.1342_1353del (p.Asp448_Tyr451del)

Gene: TYR (tyrosinase; plus strand). Cytogenetic location: 11q14.3.
Variant type: Deletion.
Coding change: c.1342_1353del on transcript NM_000372.5 (MANE Select); coding-DNA positions 1342 to 1353, 12 bases deleted (GACTATAGCTAT).
Protein change: p.Asp448_Tyr451del.
Molecular consequence: inframe deletion.
Genome position (GRCh38, 1-based): chr11:89,284,930-89,284,941, GACTATAGCTAT deleted; deleting any 12 consecutive bases within chr11:89,284,925-89,284,941 gives the same sequence; the c. name uses the placement nearest the transcript's 3' end. VCF-style (leftmost placement, unchanged base first): chr11-89284924-GGCTATGACTATA-G. GRCh37 (hg19) VCF-style: chr11-89018092-GGCTATGACTATA-G.
Other names: p.D448_Y451del.
Identifiers: ClinVar variation 493101 (VCV000493101.45), dbSNP rs1555099590, ClinGen allele CA658683693.

ClinVar aggregate classification (germline): Uncertain significance. Review status: criteria provided, multiple submitters, no conflicts (2 of 4 stars). 3 submissions from 3 submitters: Uncertain significance (2). 1 of the submissions does not count toward it. Last evaluated 2022-09-16.

Conditions:
Oculocutaneous albinism type 1B (OCA1B). Also called: ALBINISM, OCULOCUTANEOUS, TYPE IB; ALBINISM, YELLOW MUTANT TYPE; YELLOW ALBINISM. Identifiers: Orphanet 352731, Orphanet 352737, Orphanet 79434, MedGen C1847024, MONDO:0011749, OMIM 606952.

Submissions (3):

Blueprint Genetics
Classification: Uncertain significance. Last evaluated: 2022-09-16. Review status: criteria provided, single submitter. Criteria: ACMG Guidelines, 2015. Collection method: clinical testing. Allele origin: germline.

CeGaT Center for Human Genetics Tuebingen
Classification: Uncertain significance. Last evaluated: 2017-10-01. Review status: criteria provided, single submitter. Criteria: CeGaT Center For Human Genetics Tuebingen Variant Classification Criteria Version 2. Collection method: clinical testing. Allele origin: germline. Affected: yes. Observed: 1 variant allele.

Human Molecular Lab, Hazara University
Classification: Uncertain significance for Oculocutaneous albinism type 1B. Last evaluated: 2025-01-08. Review status: no assertion criteria provided. Collection method: research. Allele origin: inherited. Inheritance: Autosomal recessive inheritance. Affected: yes. Observed: 1 variant allele, 1 homozygote. Not counted in ClinVar's aggregate classification.
Comment: The variant c.1342_1353del (p.Asp448_Tyr Y451del) of the TYR gene causes Albinism, reported in Pakistani family with a history of consanguinity with an autosomal recessive mode of inheritance. the variant segregated with the disease, including both affected and unaffected members.